The following is an entry in ClinVar:

NM_001367479.1(DNAH14):c.5031C>G (p.Leu1677=)

Gene: DNAH14 (dynein axonemal heavy chain 14; plus strand). Cytogenetic location: 1q42.12.
Variant type: single nucleotide variant.
Coding change: c.5031C>G on transcript NM_001367479.1 (MANE Select); coding-DNA position 5031, C replaced by G.
Protein change: p.Leu1677=; no amino-acid change (leucine 1677 retained).
Molecular consequence: synonymous variant.
Genome position (GRCh38, 1-based): chr1:225,152,718, C>G. VCF-style: chr1-225152718-C-G. GRCh37 (hg19) VCF-style: chr1-225340420-C-G.
Identifiers: ClinVar variation 402651 (VCV000402651.5), dbSNP rs188496398, ClinGen allele CA1416081.
Genomic context (GRCh38, chr1:225,152,718, plus strand): 5'-AGTGGTGTTTTTATTGTTTGTTTTTCTTTTCCTCTTCAGATACGGAGGTGGAGTAGAGCT[C>G]CCAGATAACTTAAAATCTCTGTTTCGCCCAGTGGCAATGATGGTGCCCCATTATCAAATG-3'
Protein context (NP_001354408.1, residues 1667-1687): MNPRYGGGVE[Leu1677=]PDNLKSLFRP

ClinVar aggregate classification (germline): Benign. Review status: criteria provided, multiple submitters, no conflicts (2 of 4 stars). 2 submissions from 2 submitters: Benign (2). Last evaluated 2016-03-28.

Allele frequency attached by ClinVar (database versions not stated): gnomAD 0.00273 and 0.00282; 1000 Genomes Project 30x 0.00281; gnomAD exomes 0.00286 and 0.00589; 1000 Genomes Project 0.00300; TOPMed 0.00312; ExAC 0.01135.
gnomAD v4.1: 4,654 of 1,549,856 alleles (0.3%); highest among the groups gnomAD compares: Middle Eastern, 3.2%; 45 homozygotes.

Submissions (2):

Laboratory for Molecular Medicine, Mass General Brigham Personalized Medicine
Classification: Benign. Last evaluated: 2016-03-28. Review status: criteria provided, single submitter. Criteria: LMM Criteria. Collection method: clinical testing. Allele origin: germline.
Comment: Variant identified in a genome or exome case(s) and assessed due to predicted null impact of the variant or pathogenic assertions in the literature or databases. Disclaimer: This variant has not undergone full assessment. The following are preliminary notes: Silent variant not in splice consensus

Breakthrough Genomics
Classification: Benign. Review status: criteria provided, single submitter. Criteria: ACMG Guidelines, 2015. Collection method: not provided. Allele origin: germline. Inheritance: Unknown mechanism. Affected: yes.